The following is an entry in ClinVar:

NM_172362.3(KCNH1):c.1388G>A (p.Ser463Asn)

Gene: KCNH1 (potassium voltage-gated channel subfamily H member 1; minus strand). Cytogenetic location: 1q32.2.
Variant type: single nucleotide variant.
Coding change: c.1388G>A on transcript NM_172362.3 (MANE Select); coding-DNA position 1388, G replaced by A.
Protein change: p.Ser463Asn; replaces serine 463 with asparagine.
Molecular consequence: missense variant.
Genome position (GRCh38, 1-based): chr1:210,919,714, C>T on the plus strand (G>A on the coding strand, the complement: KCNH1 is on the minus strand). VCF-style: chr1-210919714-C-T. GRCh37 (hg19) VCF-style: chr1-211093056-C-T.
Other names: c.1307G>A, p.Ser436Asn (NM_002238.4); short protein forms S463N, S436N.
Identifiers: ClinVar variation 2734787 (VCV002734787.3), dbSNP rs2527119867, ClinGen allele CA344873076.

ClinVar aggregate classification (germline): Uncertain significance (1 of 4 stars; one submission).

Submission:

Labcorp Genetics (formerly Invitae), Labcorp
Classification: Uncertain significance. Last evaluated: 2023-07-03. Review status: criteria provided, single submitter. Criteria: Invitae Variant Classification Sherloc (09022015). Collection method: clinical testing. Allele origin: germline.
Comment: This variant has not been reported in the literature in individuals affected with KCNH1-related conditions. In summary, the available evidence is currently insufficient to determine the role of this variant in disease. Therefore, it has been classified as a Variant of Uncertain Significance. Advanced modeling of protein sequence and biophysical properties (such as structural, functional, and spatial information, amino acid conservation, physicochemical variation, residue mobility, and thermodynamic stability) performed at Invitae indicates that this missense variant is expected to disrupt KCNH1 protein function. This variant is not present in population databases (gnomAD no frequency). This sequence change replaces serine, which is neutral and polar, with asparagine, which is neutral and polar, at codon 463 of the KCNH1 protein (p.Ser463Asn).